The following is an entry in ClinVar:

ClinVar aggregate classification (germline): Uncertain significance (1 of 4 stars; one submission).

Conditions:
BCS1L-related disorder. Also called: BCS1L-related disorders; BCS1L-related condition. Identifiers: MedGen CN239240.

Submission:

Myriad Genetics, Inc.
Classification: Uncertain significance for BCS1L-related disorder. Last evaluated: 2025-07-28. Review status: criteria provided, single submitter. Criteria: Myriad Autosomal Dominant, Autosomal Recessive and X-Linked Classification Criteria (2023). Collection method: clinical testing. Allele origin: unknown.
Comment: NM_004328.4(BCS1L):c.-259+2T>C is a 5' non-coding variant classified as a variant of uncertain significance in the context of BCS1L-related disorders. c.-259+2T>C has not been observed in cases with relevant disease. Relevant functional assessments of this variant are not available in the literature. c.-259+2T>C has not been observed in referenced population frequency databases. In summary, there is insufficient evidence to classify NM_004328.4(BCS1L):c.-259+2T>C as pathogenic or benign. Please note: this variant was assessed in the context of healthy population screening.

NM_001079866.2(BCS1L):c.-50+2T>C

Genes: BCS1L (BCS1 ubiquinol-cytochrome c reductase complex chaperone; plus strand), LOC129935609 (ATAC-STARR-seq lymphoblastoid active region 17127; plus strand). Cytogenetic location: 2q35.
Variant type: single nucleotide variant.
Coding change: c.-50+2T>C on transcript NM_001079866.2 (MANE Select); the canonical splice donor site of the intron after 50 bases upstream of the start codon, T replaced by C.
Molecular consequence: splice donor variant. On other transcripts: 5 prime UTR variant (9).
Genome position (GRCh38, 1-based): chr2:218,659,745, T>C. VCF-style: chr2-218659745-T-C. GRCh37 (hg19) VCF-style: chr2-219524468-T-C.
Other names: c.-105T>C (NM_001257344.2); c.-220T>C (NM_001320717.2); c.-1053T>C (NM_001371446.1); c.-231T>C (NM_001371448.1); c.-726T>C (NM_001371450.1); c.-1044T>C (NM_001371451.1); c.-1202T>C (NM_001371454.1); c.-1243T>C (NM_001374085.1); and 13 more.
Identifiers: ClinVar variation 5003653 (VCV005003653.1).
Genomic context (GRCh38, chr2:218,659,745, plus strand): 5'-CTTCCCCAAGGTGCAGGCGCGGTGAAACCATCGAGACGGAGGGCCAGAGAGTCACGGCGG[T>C]GAGAGGGCTGAGTGACGGGTTACCCCAAACCATGTGGCTGGAGGCGCGAGCTGGGGTGTG-3'